The following is an entry in ClinVar:

ClinVar aggregate classification (germline): Uncertain significance. Review status: criteria provided, multiple submitters, no conflicts (2 of 4 stars). 2 submissions from 2 submitters: Uncertain significance (2). Last evaluated 2025-04-28.

Allele frequency attached by ClinVar (database versions not stated): gnomAD exomes below 0.00001 and 0.00001; TOPMed 0.00001; ExAC 0.00002; gnomAD 0.00003 and 0.00005; ESP Exome Variant Server 0.00008.
gnomAD v4.1: 7 of 1,612,800 alleles (0.00043%); highest among the groups gnomAD compares: African/African-American, 0.008%; no homozygotes.

Submissions (2):

Labcorp Genetics (formerly Invitae), Labcorp
Classification: Uncertain significance. Last evaluated: 2025-04-28. Review status: criteria provided, single submitter. Criteria: Invitae Variant Classification Sherloc (09022015). Collection method: clinical testing. Allele origin: germline.
Comment: This sequence change replaces alanine, which is neutral and non-polar, with threonine, which is neutral and polar, at codon 428 of the KCNV2 protein (p.Ala428Thr). The frequency data for this variant in the population databases is considered unreliable, as metrics indicate poor data quality at this position in the gnomAD database. This variant has not been reported in the literature in individuals affected with KCNV2-related conditions. ClinVar contains an entry for this variant (Variation ID: 948161). Invitae Evidence Modeling of protein sequence and biophysical properties (such as structural, functional, and spatial information, amino acid conservation, physicochemical variation, residue mobility, and thermodynamic stability) indicates that this missense variant is not expected to disrupt KCNV2 protein function with a negative predictive value of 95%. In summary, the available evidence is currently insufficient to determine the role of this variant in disease. Therefore, it has been classified as a Variant of Uncertain Significance.

Blueprint Genetics
Classification: Uncertain significance. Last evaluated: 2021-07-06. Review status: criteria provided, single submitter. Criteria: ACMG Guidelines, 2015. Collection method: clinical testing. Allele origin: germline.

NM_133497.4(KCNV2):c.1282G>A (p.Ala428Thr)

Gene: KCNV2 (potassium voltage-gated channel modifier subfamily V member 2; plus strand). Cytogenetic location: 9p24.2.
Variant type: single nucleotide variant.
Coding change: c.1282G>A on transcript NM_133497.4 (MANE Select); coding-DNA position 1282, G replaced by A.
Protein change: p.Ala428Thr; replaces alanine 428 with threonine.
Molecular consequence: missense variant.
Genome position (GRCh38, 1-based): chr9:2,719,021, G>A. VCF-style: chr9-2719021-G-A. GRCh37 (hg19) VCF-style: chr9-2719021-G-A.
Other names: short protein forms A428T.
Identifiers: ClinVar variation 948161 (VCV000948161.8), dbSNP rs142146344, ClinGen allele CA4965846.